The following is an entry in ClinVar:

ClinVar aggregate classification (germline): Uncertain significance (1 of 4 stars; one submission).

gnomAD v4.1: 6 of 1,613,668 alleles (0.00037%); highest among the groups gnomAD compares: Admixed American, 0.0067%; no homozygotes.

Submission:

OLLIN Analises Genomicas, OLLIN
Classification: Uncertain significance. Last evaluated: 2026-08-06. Review status: criteria provided, single submitter. Criteria: ACMG Guidelines 2015 PMID 25741868. Collection method: clinical testing. Allele origin: germline.
Comment: This variant, has been observed in gnomAD with an allele frequency of 0.00037%, but has not been reported in ClinVar or identified in the literature. According to the currently available evidence, this variant has been classified as uncertain significance (PM2_P, PP3).

NM_018639.5(WSB2):c.833+3A>G

Genes: RFC5 (replication factor C subunit 5; plus strand), WSB2 (WD repeat and SOCS box containing 2; minus strand). Cytogenetic location: 12q24.23.
Variant type: single nucleotide variant.
Coding change: c.833+3A>G on transcript NM_018639.5 (MANE Select); 3 bases into the intron after coding-DNA position 833, A replaced by G.
Molecular consequence: intron variant.
Genome position (GRCh38, 1-based): chr12:118,036,335, T>C on the plus strand (A>G on the coding strand, the complement: WSB2 is on the minus strand). VCF-style: chr12-118036335-T-C. GRCh37 (hg19) VCF-style: chr12-118474140-T-C.
Other names: c.884+3A>G (NM_001278557.1); c.203+3A>G (NM_001278558.2).
Identifiers: ClinVar variation 5002761 (VCV005002761.1).